The following is an entry in ClinVar:

NM_020987.5(ANK3):c.11366A>G (p.Asn3789Ser)

Gene: ANK3 (ankyrin 3; minus strand). Cytogenetic location: 10q21.2.
Variant type: single nucleotide variant.
Coding change: c.11366A>G on transcript NM_020987.5 (MANE Select); coding-DNA position 11366, A replaced by G.
Protein change: p.Asn3789Ser; replaces asparagine 3789 with serine.
Molecular consequence: missense variant. On other transcripts: intron variant (4).
Genome position (GRCh38, 1-based): chr10:60,069,515, T>C on the plus strand (A>G on the coding strand, the complement: ANK3 is on the minus strand). VCF-style: chr10-60069515-T-C. GRCh37 (hg19) VCF-style: chr10-61829273-T-C.
Other names: c.4388-1506A>G (NM_001204403.2); c.4409-1506A>G (NM_001204404.2); c.4406-1506A>G (NM_001320874.2); c.1808-1506A>G (NM_001149.4); short protein forms N3789S.
Identifiers: ClinVar variation 730488 (VCV000730488.53), dbSNP rs144123544, ClinGen allele CA5511105.
Genomic context (GRCh38, chr10:60,069,515, plus strand): 5'-GTCAGAACTATATTACTCATAATGTTATCTGTCTGTATAGTGGAAGAATCCAAATTGTTG[T>C]TGTTATTAAAGTTATCTTTTTGAAAATCATGTTTTTCATGGGGCCTAACGCCCATCTGGC-3'
Protein context (NP_066267.2, residues 3779-3799): HDFQKDNFNN[Asn3789Ser]NNLDSSTIQT

ClinVar aggregate classification (germline): Likely benign. Review status: criteria provided, multiple submitters, no conflicts (2 of 4 stars). 3 submissions from 3 submitters: Likely benign (2). 1 of the submissions does not count toward it. Last evaluated 2025-10-27.

Conditions:
ANK3-related disorder. Also called: ANK3-related condition.

Allele frequency attached by ClinVar (database versions not stated): 1000 Genomes Project 30x 0.00031; TOPMed 0.00035; 1000 Genomes Project 0.00040; gnomAD 0.00043 and 0.00044; gnomAD exomes 0.00063 and 0.00064; ESP Exome Variant Server 0.00077; ExAC 0.00080.
gnomAD v4.1: 967 of 1,613,656 alleles (0.06%); highest among the groups gnomAD compares: South Asian, 0.21%; 5 homozygotes.

Submissions (3):

Labcorp Genetics (formerly Invitae), Labcorp
Classification: Likely benign. Last evaluated: 2025-10-27. Review status: criteria provided, single submitter. Criteria: Invitae Variant Classification Sherloc (09022015). Collection method: clinical testing. Allele origin: germline.

CeGaT Center for Human Genetics Tuebingen
Classification: Likely benign. Last evaluated: 2025-06-01. Review status: criteria provided, single submitter. Criteria: CeGaT Center For Human Genetics Tuebingen Variant Classification Criteria Version 2. Collection method: clinical testing. Allele origin: germline. Affected: yes. Observed: 2 variant alleles.
Comment: ANK3: BS2

PreventionGenetics, part of Exact Sciences
Classification: Likely benign for ANK3-related condition. Last evaluated: 2024-01-08. Review status: no assertion criteria provided. Collection method: clinical testing. Allele origin: germline. Not counted in ClinVar's aggregate classification.
Comment: This variant is classified as likely benign based on ACMG/AMP sequence variant interpretation guidelines (Richards et al. 2015 PMID: 25741868, with internal and published modifications).